The following is an entry in ClinVar:

NM_001267550.2(TTN):c.9432C>T (p.Gly3144=)

Gene: TTN (titin; minus strand). Cytogenetic location: 2q31.2.
Variant type: single nucleotide variant.
Coding change: c.9432C>T on transcript NM_001267550.2 (MANE Select); coding-DNA position 9432, C replaced by T.
Protein change: p.Gly3144=; no amino-acid change (glycine 3144 retained).
Molecular consequence: synonymous variant.
Genome position (GRCh38, 1-based): chr2:178,767,798, G>A on the plus strand (C>T on the coding strand, the complement: TTN is on the minus strand). VCF-style: chr2-178767798-G-A. GRCh37 (hg19) VCF-style: chr2-179632525-G-A.
Other names: c.9432C>T, p.Gly3144= (NM_001256850.1, NM_133378.4, NM_133379.5); c.9294C>T, p.Gly3098= (NM_003319.4, NM_133432.3, NM_133437.4).
Identifiers: ClinVar variation 3068670 (VCV003068670.2), dbSNP rs1261668697, ClinGen allele CA430298477.

ClinVar aggregate classification (germline): Uncertain significance. Review status: criteria provided, multiple submitters, no conflicts (2 of 4 stars). 2 submissions from 2 submitters: Uncertain significance (2). Last evaluated 2024-03-08.

Conditions:
Cardiovascular phenotype. Identifiers: MedGen CN230736.
Primary dilated cardiomyopathy (DCM). Also called: Dilated Cardiomyopathy. Identifiers: Orphanet 217604, MedGen C0007193, MeSH D002311, MONDO:0005021, HP:0001644. Inheritance: Various modes of inheritance.

Allele frequency attached by ClinVar (database versions not stated): TOPMed below 0.00001; gnomAD exomes 0.00001.
gnomAD v4.1: 9 of 1,614,078 alleles (0.00056%); highest among the groups gnomAD compares: Non-Finnish European, 0.00076%; no homozygotes.

Submissions (2):

Ambry Genetics
Classification: Uncertain significance for Cardiovascular phenotype. Last evaluated: 2024-03-08. Review status: criteria provided, single submitter. Criteria: Ambry Variant Classification Scheme 2023. Collection method: clinical testing. Allele origin: germline.
Comment: The c.9294C>T variant (also known as p.G3098G), located in coding exon 38 of the TTN gene, results from a C to T substitution at nucleotide position 9294. This nucleotide substitution does not change the glycine at codon 3098. This nucleotide position is not well conserved in available vertebrate species. In silico splice site analysis predicts that this alteration may result in the creation or strengthening of a novel splice donor site. Based on the available evidence, the clinical significance of this alteration remains unclear.

Molecular Genetics, Royal Melbourne Hospital
Classification: Uncertain significance for Primary dilated cardiomyopathy. Last evaluated: 2024-03-01. Review status: criteria provided, single submitter. Criteria: ACMG Guidelines, 2015. Collection method: clinical testing. Allele origin: germline. Inheritance: Autosomal dominant inheritance. Affected: yes.
Comment: This sequence change is a synonymous (silent) variant in constitutively expressed exon 40 (percentage splice in, PSI, 100%) of the I-band of TTN (PMID: 25589632) that is predicted to impact splicing (SpliceAI). The highest population minor allele frequency in the population database gnomAD v4.0 is 0.0008% (9/1,111,976 alleles) in the European (non-Finnish) population, which is consistent with dilated cardiomyopathy. To our knowledge, this variant has not been previously reported in the relevant scientific literature or databases. Based on the classification scheme RMH Modified ACMG/AMP Guidelines v1.6.1, this variant is classified as a VARIANT OF UNCERTAIN SIGNIFICANCE. Following criteria are met: PM2_Supporting, PP3.

Literature cited by the submitters: PubMed 25589632 (cited by Molecular Genetics, Royal Melbourne Hospital).